The following is an entry in ClinVar:

ClinVar aggregate classification (germline): Uncertain significance (1 of 4 stars; one submission).

Conditions:
Ornithine carbamoyltransferase deficiency (OTCD). Also called: ORNITHINE TRANSCARBAMYLASE DEFICIENCY; ORNITHINE TRANSCARBAMYLASE DEFICIENCY, HYPERAMMONEMIA DUE TO; OTC DEFICIENCY; Ornithine Carbamoyltransferase Deficiency Disease. Identifiers: Orphanet 664, MedGen C0268542, MONDO:0010703, OMIM 311250.

Allele frequency attached by ClinVar (database versions not stated): gnomAD exomes below 0.00001.

Submission:

All of Us Research Program, National Institutes of Health
Classification: Uncertain significance for Ornithine carbamoyltransferase deficiency. Last evaluated: 2023-11-02. Review status: criteria provided, single submitter. Criteria: ACMG Guidelines, 2015. Collection method: clinical testing. Allele origin: germline. Inheritance: X-linked inheritance. Observed: 1 variant allele, 1 heterozygote.
Comment: This missense variant replaces glutamine with histidine at codon 285 of the OTC protein. Computational prediction suggests that this variant may have deleterious impact on protein structure and function (internally defined REVEL score threshold >= 0.7, PMID: 27666373). To our knowledge, functional studies have not been reported for this variant. This variant has not been reported in individuals affected with OTC-related disorders in the literature. This variant has been identified in 1/182805 chromosomes in the general population by the Genome Aggregation Database (gnomAD). The available evidence is insufficient to determine the role of this variant in disease conclusively. Therefore, this variant is classified as a Variant of Uncertain Significance.

This study involves interpretation of variants in research participants for the purpose of population health screening. Participant phenotype was not available at the time of variant classification. Additional details can be found in publication PMID: 35346344, PMCID: PMC8962531

NM_000531.6(OTC):c.855G>C (p.Gln285His)

Gene: OTC (ornithine transcarbamylase; plus strand). Cytogenetic location: Xp11.4.
Variant type: single nucleotide variant.
Coding change: c.855G>C on transcript NM_000531.6 (MANE Select); coding-DNA position 855, G replaced by C.
Protein change: p.Gln285His; replaces glutamine 285 with histidine.
Molecular consequence: missense variant.
Genome position (GRCh38, 1-based): chrX:38,409,013, G>C. VCF-style: chrX-38409013-G-C. GRCh37 (hg19) VCF-style: chrX-38268266-G-C.
Other names: c.855G>C, p.Gln285His (NM_001407092.1); short protein forms Q285H.
Identifiers: ClinVar variation 3074287 (VCV003074287.1), dbSNP rs1267523168, ClinGen allele CA412723791.